The following is an entry in ClinVar:

NM_005026.5(PIK3CD):c.323G>T (p.Arg108Leu)

Gene: PIK3CD (phosphatidylinositol-4,5-bisphosphate 3-kinase catalytic subunit delta; plus strand). Cytogenetic location: 1p36.22.
Variant type: single nucleotide variant.
Coding change: c.323G>T on transcript NM_005026.5 (MANE Select); coding-DNA position 323, G replaced by T.
Protein change: p.Arg108Leu; replaces arginine 108 with leucine.
Molecular consequence: missense variant.
Genome position (GRCh38, 1-based): chr1:9,715,722, G>T. VCF-style: chr1-9715722-G-T. GRCh37 (hg19) VCF-style: chr1-9775780-G-T.
Other names: NM_005026.5(PIK3CD):c.323G>T; p.Arg108Leu; c.323G>T (LRG_191t1); c.323G>T, p.Arg108Leu (NM_001350234.2, NM_001350235.1); short protein forms R108L.
Identifiers: ClinVar variation 636973 (VCV000636973.11), dbSNP rs765031777, ClinGen allele CA576828.

ClinVar aggregate classification (germline): Uncertain significance. Review status: reviewed by expert panel (3 of 4 stars). 4 submissions from 4 submitters: Uncertain significance (1). 3 of the submissions do not count toward it. Last evaluated 2025-12-19.

Conditions:
Immunodeficiency 14 (IMD14A). Also called: p110-DELTA-ACTIVATING MUTATION CAUSING SENESCENT T CELLS, LYMPHADENOPATHY, AND IMMUNODEFICIENCY; IMMUNODEFICIENCY 14A WITH LYMPHOPROLIFERATION, AUTOSOMAL DOMINANT; ACTIVATED PI3K-DELTA SYNDROME 1; Activated PI3K Delta Syndrome Type 1 (APDS1). Identifiers: Orphanet 397596, Orphanet 693661, MedGen C5907821, MONDO:0014222, OMIM 615513.

Allele frequency attached by ClinVar (database versions not stated): gnomAD 0.00003; TOPMed 0.00002.
gnomAD v4.1: 19 of 1,613,382 alleles (0.0012%); highest among the groups gnomAD compares: Non-Finnish European, 0.0012%; no homozygotes.

Submissions (4):

ClinGen Primary Immune Regulatory Disorders Variant Curation Expert Panel, ClinGen
Classification: Uncertain significance for Immunodeficiency 14. Last evaluated: 2025-12-19. Review status: reviewed by expert panel. Criteria: ClinGen AbDef ACMG Specifications PIK3CD V1.0.0. Collection method: curation. Allele origin: germline. Inheritance: Autosomal dominant inheritance.
Comment: NM_005026.5(PIK3CD):c.323G>T (p.Arg108Leu) is a missense variant that causes substitution of arginine by leucine at amino acid 108. Another missense variant in the same codon, NM_005026.5(PIK3CD):c.322C>T (p.Arg108Cys), has been classified as a VUS for immunodeficiency 14 by the ClinGen Antibody Deficiencies VCEP, so PM5_Supporting is not met. This variant is present in gnomAD v4.1.0 at a total combined allele frequency of 0.00001178, with 19 alleles / 1,613,382 total alleles across all populations of gnomAD, which is higher than the ClinGen Antibody Deficiencies VCEP PM2_Supporting threshold of <0.00000132. This variant is present in gnomAD v4.1.0 at a GrpMax frequency of 0.000006880, with 14 alleles / 1,180,014 total alleles in European Non-Finnish population, which is lower than the BS1 threshold of >0.000316, so no population code can be applied. At least one patient harboring this variant exhibited a phenotype including lymphadenomegaly and splenomegaly (4 pts), hepatitis (1 pt), lymphopenia (1 pt), arthritis, skin rash / scaling skin / pruritus, fever, and elevated IgG levels (0.5 pts), normal IgA and IgM, and normal antibody responses to tetanus and Hepatitis B surface antigen, as well as patient CD4+ and CD8+ T cells showing 3x to 10x enhanced phosphorylation of ribosomal protein S6 relative to controls. Next-generation sequencing-based genotyping did not identify an alternative basis for disease in the PIK3R1 gene (7.5 total points, PMID:32681977, PMID: 33080915, PMID: 39714594, PMID: 39636570, PMID: 34115277, PS4_Supporting). Multiple reports describe the same proband. The computational predictor REVEL gives a score of 0.252, which is below the ClinGen Antibody Deficiencies VCEP threshold of >0.644 and does not predict a damaging effect on PIK3CD function. The computational predictor CADD gives a PHRED score of 27.4, which is above the ClinGen Antibody Deficiencies VCEP threshold of >25.3 and predicts a deleterious effect on PIK3CD function. Because the two predictors do not agree on a damaging effect, PP3 is not met. In summary, this variant meets the criteria to be classified as a variant of uncertain significance for autosomal dominant immunodeficiency 14 based on the ACMG/AMP criteria applied, as specified by the ClinGen Antibody Deficiencies VCEP: PS4_Supporting. (VCEP specifications version 1.0.0).

Labcorp Genetics (formerly Invitae), Labcorp
Classification: Uncertain significance for Activated PI3K-delta syndrome. Last evaluated: 2025-12-11. Review status: criteria provided, single submitter. Criteria: Invitae Variant Classification Sherloc (09022015). Collection method: clinical testing. Allele origin: germline. Not counted in ClinVar's aggregate classification.
Comment: This sequence change replaces arginine, which is basic and polar, with leucine, which is neutral and non-polar, at codon 108 of the PIK3CD protein (p.Arg108Leu). This variant is present in population databases (rs765031777, gnomAD 0.004%). This missense change has been observed in individual(s) with clinical features of activated PI3K delta syndrome (PMID: 32681977). ClinVar contains an entry for this variant (Variation ID: 636973). Invitae Evidence Modeling of protein sequence and biophysical properties (such as structural, functional, and spatial information, amino acid conservation, physicochemical variation, residue mobility, and thermodynamic stability) has been performed for this missense variant. However, the output from this modeling did not meet the statistical confidence thresholds required to predict the impact of this variant on PIK3CD protein function. In summary, the available evidence is currently insufficient to determine the role of this variant in disease. Therefore, it has been classified as a Variant of Uncertain Significance.

Blueprint Genetics
Classification: Uncertain significance. Last evaluated: 2024-11-21. Review status: criteria provided, single submitter. Criteria: ACMG Guidelines, 2015. Collection method: clinical testing. Allele origin: germline. Not counted in ClinVar's aggregate classification.

Clinical Genomics Laboratory, Washington University in St. Louis
Classification: Uncertain significance for Immunodeficiency 14. Last evaluated: 2024-10-16. Review status: criteria provided, single submitter. Criteria: ACMG Guidelines, 2015. Collection method: clinical testing. Allele origin: germline. Not counted in ClinVar's aggregate classification.
Comment: A PIK3CD:c.323G>T (p.Arg108Leu) variant was identified at a heterozygous allelic fraction of 49.48%, a frequency that may be consistent with germline origin. This variant has been reported in an individual with immunodeficiency and lymphoproliferation (Lougaris V et al., PMID: 32681977). This variant has been observed on 19/1,613,382 alleles in the general population (gnomAD v.4.1.0) and computational predictors indicate that the variant has no impact on the PIK3CD function. This variant was reported in the ClinVar database as a variant of uncertain significance by two submitters (ClinVar ID: 636973). Due to limited information and based on ACMG/AMP guidelines for variant interpretation (Richards S et al., PMID: 25741868), the clinical significance of this variant is uncertain at this time.

Literature cited by the submitters: PubMed 32681977 (cited by Labcorp Genetics (formerly Invitae), Labcorp).